The following is an entry in ClinVar:

NM_199420.4(POLQ):c.4648T>A (p.Cys1550Ser)

Gene: POLQ (DNA polymerase theta; minus strand). Cytogenetic location: 3q13.33.
Variant type: single nucleotide variant.
Coding change: c.4648T>A on transcript NM_199420.4 (MANE Select); coding-DNA position 4648, T replaced by A.
Protein change: p.Cys1550Ser; replaces cysteine 1550 with serine.
Molecular consequence: missense variant.
Genome position (GRCh38, 1-based): chr3:121,488,283, A>T on the plus strand (T>A on the coding strand, the complement: POLQ is on the minus strand). VCF-style: chr3-121488283-A-T. GRCh37 (hg19) VCF-style: chr3-121207130-A-T.
Other names: short protein forms C1550S.
Identifiers: ClinVar variation 3308570 (VCV003308570.1).
Genomic context (GRCh38, chr3:121,488,283, plus strand): 5'-AAGCTTCAACCATCTGAACAGAATCCATTTCTGAAAATATAATAGATTCATCATTGGAAC[A>T]AGTCAACTGCTGGTGGGTATCTTGATTCTCATTTACATTTGATTTTTTAATTAGGTCTTC-3'
Protein context (NP_955452.3, residues 1540-1560): ENQDTHQQLT[Cys1550Ser]SNDESIIFSE

ClinVar aggregate classification (germline): Uncertain significance (1 of 4 stars; one submission).

Submission:

Ambry Genetics
Classification: Uncertain significance. Last evaluated: 2024-06-01. Review status: criteria provided, single submitter. Criteria: Ambry Variant Classification Scheme 2023. Collection method: clinical testing. Allele origin: germline.
Comment: The p.C1550S variant (also known as c.4648T>A), located in coding exon 16 of the POLQ gene, results from a T to A substitution at nucleotide position 4648. The cysteine at codon 1550 is replaced by serine, an amino acid with dissimilar properties. This amino acid position is conserved. In addition, this alteration is predicted to be tolerated by in silico analysis. Based on the available evidence, the clinical significance of this variant remains unclear.